The following is an entry in ClinVar:

ClinVar aggregate classification (germline): Uncertain significance (1 of 4 stars; one submission).

Allele frequency attached by ClinVar (database versions not stated): TOPMed below 0.00001; gnomAD 0.00001.
gnomAD v4.1: 5 of 1,614,086 alleles (0.00031%); highest among the groups gnomAD compares: Admixed American, 0.0017%; no homozygotes.

Submission:

Labcorp Genetics (formerly Invitae), Labcorp
Classification: Uncertain significance. Last evaluated: 2021-02-25. Review status: criteria provided, single submitter. Criteria: Invitae Variant Classification Sherloc (09022015). Collection method: clinical testing. Allele origin: germline.
Comment: In summary, the available evidence is currently insufficient to determine the role of this variant in disease. Therefore, it has been classified as a Variant of Uncertain Significance. Advanced modeling of protein sequence and biophysical properties (such as structural, functional, and spatial information, amino acid conservation, physicochemical variation, residue mobility, and thermodynamic stability) performed at Invitae indicates that this missense variant is not expected to disrupt FAT4 protein function. This variant has not been reported in the literature in individuals with FAT4-related conditions. This variant is not present in population databases (ExAC no frequency). This sequence change replaces asparagine with lysine at codon 3757 of the FAT4 protein (p.Asn3757Lys). The asparagine residue is moderately conserved and there is a moderate physicochemical difference between asparagine and lysine.

NM_001291303.3(FAT4):c.11277C>A (p.Asn3759Lys)

Gene: FAT4 (FAT atypical cadherin 4; plus strand). Cytogenetic location: 4q28.1.
Variant type: single nucleotide variant.
Coding change: c.11277C>A on transcript NM_001291303.3 (MANE Select); coding-DNA position 11277, C replaced by A.
Protein change: p.Asn3759Lys; replaces asparagine 3759 with lysine.
Molecular consequence: missense variant.
Genome position (GRCh38, 1-based): chr4:125,452,287, C>A. VCF-style: chr4-125452287-C-A. GRCh37 (hg19) VCF-style: chr4-126373442-C-A.
Other names: c.11277C>A, p.Asn3759Lys (NM_001291285.3); c.11271C>A, p.Asn3757Lys (NM_024582.6); short protein forms N3759K, N3757K.
Identifiers: ClinVar variation 1513396 (VCV001513396.6), dbSNP rs1726115578, ClinGen allele CA358162042.